The following is an entry in ClinVar:

ClinVar aggregate classification (germline): Conflicting classifications of pathogenicity. Review status: criteria provided, conflicting classifications (1 of 4 stars). 3 submissions from 3 submitters: Uncertain significance (2); Likely benign (1). Last evaluated 2026-01-27.

Conditions:
Hematuria, benign familial, 1 (BFH1). Also called: THIN MEMBRANE NEPHROPATHY. Identifiers: MedGen CN376803, MONDO:0007709, OMIM 141200.
Autosomal recessive Alport syndrome (ATS2). Also called: ALPORT SYNDROME 2, AUTOSOMAL RECESSIVE; COL4A4 Alport Syndrome and Thin Basement Membrane Nephropathy; Alport syndrome type 2; COL4A3-Related Nephropathy. Identifiers: Orphanet 63, Orphanet 88919, MedGen C4746745, MONDO:0008762, OMIM 203780.

Allele frequency attached by ClinVar (database versions not stated): gnomAD exomes below 0.00001; gnomAD 0.00001; TOPMed 0.00002.
gnomAD v4.1: 10 of 1,614,006 alleles (0.00062%); highest among the groups gnomAD compares: African/African-American, 0.0067%; no homozygotes.

Submissions (3):

Labcorp Genetics (formerly Invitae), Labcorp
Classification: Likely benign. Last evaluated: 2026-01-27. Review status: criteria provided, single submitter. Criteria: Invitae Variant Classification Sherloc (09022015). Collection method: clinical testing. Allele origin: germline.

Fulgent Genetics
Classification: Uncertain significance for Hematuria, benign familial, 1; Autosomal recessive Alport syndrome. Last evaluated: 2024-04-27. Review status: criteria provided, single submitter. Criteria: ACMG Guidelines, 2015. Collection method: clinical testing. Allele origin: germline.

GeneDx
Classification: Uncertain significance. Last evaluated: 2023-11-30. Review status: criteria provided, single submitter. Criteria: GeneDx Variant Classification Process June 2021. Collection method: clinical testing. Allele origin: germline.
Comment: In silico analysis supports that this variant does not alter splicing; Has not been previously published as pathogenic or benign to our knowledge

NM_000092.5(COL4A4):c.303A>T (p.Gly101=)

Gene: COL4A4 (collagen type IV alpha 4 chain; minus strand). Cytogenetic location: 2q36.3.
Variant type: single nucleotide variant.
Coding change: c.303A>T on transcript NM_000092.5 (MANE Select); coding-DNA position 303, A replaced by T.
Protein change: p.Gly101=; no amino-acid change (glycine 101 retained).
Molecular consequence: synonymous variant.
Genome position (GRCh38, 1-based): chr2:227,121,038, T>A on the plus strand (A>T on the coding strand, the complement: COL4A4 is on the minus strand). VCF-style: chr2-227121038-T-A. GRCh37 (hg19) VCF-style: chr2-227985754-T-A.
Identifiers: ClinVar variation 1127309 (VCV001127309.12), dbSNP rs1450052915, ClinGen allele CA431504787.
Genomic context (GRCh38, chr2:227,121,038, plus strand): 5'-TCTTTCATGTGAATCTCCACATAAGATGTGGCTTACCTTATCTCCTTTGTCCCCTGCTGC[T>A]CCAGGAGGGCCGCGGTCCCCTCTCATTCCTTTCTCTCCTGAAAGCCCAATGGGTCCTGGG-3'
Protein context (NP_000083.3, residues 91-111): KGMRGDRGPP[Gly101=]AAGDKGDKGP